The following is an entry in ClinVar:

ClinVar aggregate classification (germline): Uncertain significance. Review status: criteria provided, multiple submitters, no conflicts (2 of 4 stars). 2 submissions from 2 submitters: Uncertain significance (2). Last evaluated 2023-10-13.

Conditions:
Nemaline myopathy 6 (NEM6). Also called: Nemaline myopathy 6, autosomal dominant. Identifiers: Orphanet 171439, MedGen C1836472, MONDO:0012237, OMIM 609273.

Allele frequency attached by ClinVar (database versions not stated): gnomAD 0.00001; TOPMed 0.00001.
gnomAD v4.1: 2 of 1,585,644 alleles (0.00013%); highest among the groups gnomAD compares: Non-Finnish European, 0.00017%; no homozygotes.

Submissions (2):

Labcorp Genetics (formerly Invitae), Labcorp
Classification: Uncertain significance for Nemaline myopathy 6. Last evaluated: 2023-10-13. Review status: criteria provided, single submitter. Criteria: Invitae Variant Classification Sherloc (09022015). Collection method: clinical testing. Allele origin: germline.
Comment: This sequence change replaces alanine, which is neutral and non-polar, with serine, which is neutral and polar, at codon 301 of the KBTBD13 protein (p.Ala301Ser). This variant is not present in population databases (gnomAD no frequency). This variant has not been reported in the literature in individuals affected with KBTBD13-related conditions. ClinVar contains an entry for this variant (Variation ID: 995130). Advanced modeling of protein sequence and biophysical properties (such as structural, functional, and spatial information, amino acid conservation, physicochemical variation, residue mobility, and thermodynamic stability) performed at Invitae indicates that this missense variant is not expected to disrupt KBTBD13 protein function. In summary, the available evidence is currently insufficient to determine the role of this variant in disease. Therefore, it has been classified as a Variant of Uncertain Significance.

Athena Diagnostics
Classification: Uncertain significance. Last evaluated: 2020-01-20. Review status: criteria provided, single submitter. Criteria: Athena Diagnostics Criteria. Collection method: clinical testing. Allele origin: unknown.

NM_001101362.3(KBTBD13):c.901G>T (p.Ala301Ser)

Gene: KBTBD13 (kelch repeat and BTB domain containing 13; plus strand). Cytogenetic location: 15q22.31.
Variant type: single nucleotide variant.
Coding change: c.901G>T on transcript NM_001101362.3 (MANE Select); coding-DNA position 901, G replaced by T.
Protein change: p.Ala301Ser; replaces alanine 301 with serine.
Molecular consequence: missense variant.
Genome position (GRCh38, 1-based): chr15:65,077,716, G>T. VCF-style: chr15-65077716-G-T. GRCh37 (hg19) VCF-style: chr15-65370054-G-T.
Other names: short protein forms A301S.
Identifiers: ClinVar variation 995130 (VCV000995130.8), dbSNP rs540070816, ClinGen allele CA392864344.
Genomic context (GRCh38, chr15:65,077,716, plus strand): 5'-GCCGCGGGCTGCTGGAGTTTCGTGGCCGACCTGCCGCAGCCGGCCGCCGGCGTGCCCTGC[G>T]CCCAGGCTTGTGGCCGTCTCTTCGTGTGCCTGTGGCGGCCGGCCGACACCACCGCCGTGG-3'
Protein context (NP_001094832.1, residues 291-311): LPQPAAGVPC[Ala301Ser]QACGRLFVCL